The following is an entry in ClinVar:

ClinVar aggregate classification (germline): Conflicting classifications of pathogenicity. Review status: criteria provided, conflicting classifications (1 of 4 stars). 3 submissions from 3 submitters: Uncertain significance (1); Likely benign (2). Last evaluated 2025-11-08.

Conditions:
Marshall syndrome (MRSHS). Identifiers: Orphanet 560, MedGen C0265235, MONDO:0007949, OMIM 154780.
Inborn genetic diseases. Identifiers: MedGen C0950123, MeSH D030342.

Allele frequency attached by ClinVar (database versions not stated): gnomAD 0.00003 and 0.00004; TOPMed 0.00004; ExAC 0.00008; gnomAD exomes 0.00008.
gnomAD v4.1: 84 of 1,614,074 alleles (0.0052%); highest among the groups gnomAD compares: Admixed American, 0.025%; no homozygotes.

Submissions (3):

Ambry Genetics
Classification: Likely benign for Inborn genetic diseases. Last evaluated: 2025-11-08. Review status: criteria provided, single submitter. Criteria: Ambry Variant Classification Scheme 2023. Collection method: clinical testing. Allele origin: germline.

Labcorp Genetics (formerly Invitae), Labcorp
Classification: Likely benign. Last evaluated: 2025-06-06. Review status: criteria provided, single submitter. Criteria: Invitae Variant Classification Sherloc (09022015). Collection method: clinical testing. Allele origin: germline.

Victorian Clinical Genetics Services, Murdoch Childrens Research Institute
Classification: Uncertain significance for Marshall syndrome. Last evaluated: 2020-04-09. Review status: criteria provided, single submitter. Criteria: ACMG Guidelines, 2015. Collection method: clinical testing. Allele origin: germline. Inheritance: Autosomal recessive inheritance.
Comment: Based on the classification scheme VCGS_Germline_v1.1.1, this variant is classified as VOUS. Following criteria are met: 0102 - Loss-of-function is a known mechanism of disease for this gene. (N) 0106 - This gene is known to be associated with autosomal recessive disease. (N) 0200 - Variant is predicted to result in a missense amino acid change from valine to isoleucine (exon 1). (N) 0251 - Variant is heterozygous. (N) 0304 - Variant is present in gnomAD <0.01 for a recessive condition (20 Heterozygous, 0 Homozygous). (P) 0503 - Missense variant consistently predicted to be tolerated or not conserved in mammals with a minor amino acid change. (B) 0604 - Variant is not located in an established domain, motif, hotspot or informative constraint region. (N) 0705 - No comparable variants have previous evidence for pathogenicity. (N) 0807 - Variant has not previously been reported in a clinical context. (N) 0905 - No segregation evidence has been identified for this variant. (N) 1007 - No published functional evidence has been identified for this variant. (N) 1208 - Segregation information for this variant is not currently available. (N) Legend: (P) - Pathogenic, (N) - Neutral, (B) - Benign

NM_016580.4(PCDH12):c.1060G>A (p.Val354Ile)

Genes: PCDH12 (protocadherin 12; minus strand), RNF14 (ring finger protein 14; plus strand). Cytogenetic location: 5q31.3.
Variant type: single nucleotide variant.
Coding change: c.1060G>A on transcript NM_016580.4 (MANE Select); coding-DNA position 1060, G replaced by A.
Protein change: p.Val354Ile; replaces valine 354 with isoleucine.
Molecular consequence: missense variant.
Genome position (GRCh38, 1-based): chr5:141,956,792, C>T on the plus strand (G>A on the coding strand, the complement: PCDH12 is on the minus strand). VCF-style: chr5-141956792-C-T. GRCh37 (hg19) VCF-style: chr5-141336357-C-T.
Other names: c.1060G>A (NM_016580.2); short protein forms V354I.
Identifiers: ClinVar variation 1551961 (VCV001551961.10), dbSNP rs763363704, ClinGen allele CA3484462.
Genomic context (GRCh38, chr5:141,956,792, plus strand): 5'-CAATAAAACTGTCCTTGGGAAGAGCTTCTGACACCAGTGATGGCTGGGAGGCCCATGTGA[C>T]GTGGATGCTTGGGATGTTGTCATTGACATCCAGAACCTTGATGAGAACTTTGCAATGGGC-3'
Protein context (NP_057664.1, residues 344-364): DVNDNIPSIH[Val354Ile]TWASQPSLVS